The following is an entry in ClinVar:

NM_001605.3(AARS1):c.709A>G (p.Ser237Gly)

Gene: AARS1 (alanyl-tRNA synthetase 1; minus strand). Cytogenetic location: 16q22.1.
Variant type: single nucleotide variant.
Coding change: c.709A>G on transcript NM_001605.3 (MANE Select); coding-DNA position 709, A replaced by G.
Protein change: p.Ser237Gly; replaces serine 237 with glycine.
Molecular consequence: missense variant.
Genome position (GRCh38, 1-based): chr16:70,270,303, T>C on the plus strand (A>G on the coding strand, the complement: AARS1 is on the minus strand). VCF-style: chr16-70270303-T-C. GRCh37 (hg19) VCF-style: chr16-70304206-T-C.
Other names: short protein forms S237G.
Identifiers: ClinVar variation 1682288 (VCV001682288.8), dbSNP rs2152162176, ClinGen allele CA396565597.

ClinVar aggregate classification (germline): Uncertain significance (1 of 4 stars; one submission).

Conditions:
Charcot-Marie-Tooth disease type 2. Also called: Charcot-Marie-Tooth type 2. Identifiers: Orphanet 64746, MedGen C0270914, MONDO:0018993.

gnomAD v4.1: 1 of 1,614,162 alleles (0.000062%); no homozygotes.

Submission:

Labcorp Genetics (formerly Invitae), Labcorp
Classification: Uncertain significance for Charcot-Marie-Tooth disease type 2. Last evaluated: 2025-02-12. Review status: criteria provided, single submitter. Criteria: Invitae Variant Classification Sherloc (09022015). Collection method: clinical testing. Allele origin: germline.
Comment: This sequence change replaces serine, which is neutral and polar, with glycine, which is neutral and non-polar, at codon 237 of the AARS protein (p.Ser237Gly). This variant is not present in population databases (gnomAD no frequency). This variant has not been reported in the literature in individuals affected with AARS-related conditions. ClinVar contains an entry for this variant (Variation ID: 1682288). Invitae Evidence Modeling of protein sequence and biophysical properties (such as structural, functional, and spatial information, amino acid conservation, physicochemical variation, residue mobility, and thermodynamic stability) indicates that this missense variant is not expected to disrupt AARS protein function with a negative predictive value of 95%. In summary, the available evidence is currently insufficient to determine the role of this variant in disease. Therefore, it has been classified as a Variant of Uncertain Significance.